The following is an entry in ClinVar:

ClinVar aggregate classification (germline): Uncertain significance (1 of 4 stars; one submission).

Conditions:
Hereditary cancer-predisposing syndrome. Also called: Hereditary Cancer Syndrome; Hereditary neoplastic syndrome; Neoplastic Syndromes, Hereditary; Tumor predisposition. Identifiers: Orphanet 140162, MedGen C0027672, MeSH D009386, MONDO:0015356.

Submission:

Ambry Genetics
Classification: Uncertain significance for Hereditary cancer-predisposing syndrome. Last evaluated: 2025-04-21. Review status: criteria provided, single submitter. Criteria: Ambry Variant Classification Scheme 2023. Collection method: clinical testing. Allele origin: germline.
Comment: The p.D807Y variant (also known as c.2419G>T), located in coding exon 15 of the APC gene, results from a G to T substitution at nucleotide position 2419. The aspartic acid at codon 807 is replaced by tyrosine, an amino acid with highly dissimilar properties. This amino acid position is conserved. In addition, in silico predictors for this gene do not accurately predict pathogenicity. Based on the available evidence, the clinical significance of this variant remains unclear.

NM_000038.6(APC):c.2419G>T (p.Asp807Tyr)

Gene: APC (APC regulator of Wnt signaling pathway; plus strand). Cytogenetic location: 5q22.2.
Variant type: single nucleotide variant.
Coding change: c.2419G>T on transcript NM_000038.6 (MANE Select); coding-DNA position 2419, G replaced by T.
Protein change: p.Asp807Tyr; replaces aspartic acid 807 with tyrosine.
Molecular consequence: missense variant. On other transcripts: non-coding transcript variant (2).
Genome position (GRCh38, 1-based): chr5:112,838,013, G>T. VCF-style: chr5-112838013-G-T. GRCh37 (hg19) VCF-style: chr5-112173710-G-T.
Other names: c.2419G>T, p.Asp807Tyr (NM_001127510.3, NM_001354895.2, NM_001407450.1); c.2365G>T, p.Asp789Tyr (NM_001127511.3); c.2473G>T, p.Asp825Tyr (NM_001354896.2, NM_001407447.1, NM_001407448.1 and 1 more transcripts); c.2449G>T, p.Asp817Tyr (NM_001354897.2); c.2344G>T, p.Asp782Tyr (NM_001354898.2); c.2335G>T, p.Asp779Tyr (NM_001354899.2); c.2296G>T, p.Asp766Tyr (NM_001354900.2); c.2242G>T, p.Asp748Tyr (NM_001354901.2, NM_001407453.1); and 11 more; short protein forms D678Y, D706Y, D748Y, D779Y, D797Y, D524Y, D681Y, D724Y.
Identifiers: ClinVar variation 3928882 (VCV003928882.1).
Genomic context (GRCh38, chr5:112,838,013, plus strand): 5'-AGTAAGCAGAGACACAAGCAAAGTCTCTATGGTGATTATGTTTTTGACACCAATCGACAT[G>T]ATGATAATAGGTCAGACAATTTTAATACTGGCAACATGACTGTCCTTTCACCATATTTGA-3'
Protein context (NP_000029.2, residues 797-817): GDYVFDTNRH[Asp807Tyr]DNRSDNFNTG